The following is an entry in ClinVar:

NM_025099.6(CTC1):c.*1663G>A

Gene: CTC1 (CST telomere replication complex component 1; minus strand). Cytogenetic location: 17p13.1.
Variant type: single nucleotide variant.
Coding change: c.*1663G>A on transcript NM_025099.6 (MANE Select); 1663 bases downstream of the stop codon, G replaced by A.
Molecular consequence: 3 prime UTR variant. On other transcripts: non-coding transcript variant (1).
Genome position (GRCh38, 1-based): chr17:8,226,517, C>T on the plus strand (G>A on the coding strand, the complement: CTC1 is on the minus strand). VCF-style: chr17-8226517-C-T. GRCh37 (hg19) VCF-style: chr17-8129835-C-T.
Identifiers: ClinVar variation 326013 (VCV000326013.5), dbSNP rs552635622, ClinGen allele CA10651342.

ClinVar aggregate classification (germline): Likely benign (1 of 4 stars; one submission).

Conditions:
Dyskeratosis congenita. Identifiers: Orphanet 1775, MedGen C0265965, MONDO:0015780.

Allele frequency attached by ClinVar (database versions not stated): TOPMed 0.00009; gnomAD 0.00015; 1000 Genomes Project 30x 0.00031; 1000 Genomes Project 0.00040.

Submission:

Illumina Laboratory Services, Illumina
Classification: Likely benign for Dyskeratosis congenita. Last evaluated: 2018-01-12. Review status: criteria provided, single submitter. Criteria: ICSL Variant Classification Criteria 13 December 2019. Collection method: clinical testing. Allele origin: germline.
Comment: This variant was observed in the ICSL laboratory as part of a predisposition screen in an ostensibly healthy population. It had not been previously curated by ICSL or reported in the Human Gene Mutation Database (HGMD: prior to June 1st, 2018), and was therefore a candidate for classification through an automated scoring system. Utilizing variant allele frequency, disease prevalence and penetrance estimates, and inheritance mode, an automated score was calculated to assess if this variant is too frequent to cause the disease. Based on the score and internal cut-off values, a variant classified as likely benign is not then subjected to further curation. The score for this variant resulted in a classification of likely benign for this disease.